The following is an entry in ClinVar:

ClinVar aggregate classification (germline): Uncertain significance. Review status: criteria provided, multiple submitters, no conflicts (2 of 4 stars). 2 submissions from 2 submitters: Uncertain significance (2). Last evaluated 2026-01-05.

Allele frequency attached by ClinVar (database versions not stated): gnomAD exomes 0.00001 and 0.00002; ExAC 0.00005; gnomAD 0.00011 and 0.00014; TOPMed 0.00013.
gnomAD v4.1: 24 of 1,551,494 alleles (0.0015%); highest among the groups gnomAD compares: African/African-American, 0.027%; no homozygotes.

Submissions (2):

Labcorp Genetics (formerly Invitae), Labcorp
Classification: Uncertain significance. Last evaluated: 2026-01-05. Review status: criteria provided, single submitter. Criteria: Invitae Variant Classification Sherloc (09022015). Collection method: clinical testing. Allele origin: germline.
Comment: This sequence change replaces phenylalanine, which is neutral and non-polar, with leucine, which is neutral and non-polar, at codon 70 of the DTHD1 protein (p.Phe70Leu). This variant is present in population databases (rs758011674, gnomAD 0.03%). This variant has not been reported in the literature in individuals affected with DTHD1-related conditions. ClinVar contains an entry for this variant (Variation ID: 1037365). An algorithm developed to predict the effect of missense changes on protein structure and function (PolyPhen-2) suggests that this variant is likely to be disruptive. In summary, the available evidence is currently insufficient to determine the role of this variant in disease. Therefore, it has been classified as a Variant of Uncertain Significance.

Ambry Genetics
Classification: Uncertain significance. Last evaluated: 2022-05-06. Review status: criteria provided, single submitter. Criteria: Ambry Variant Classification Scheme 2023. Collection method: clinical testing. Allele origin: germline.

NM_001170700.3(DTHD1):c.1078T>C (p.Phe360Leu)

Gene: DTHD1 (death domain containing 1; plus strand). Cytogenetic location: 4p14.
Variant type: single nucleotide variant.
Coding change: c.1078T>C on transcript NM_001170700.3 (MANE Select); coding-DNA position 1078, T replaced by C.
Protein change: p.Phe360Leu; replaces phenylalanine 360 with leucine.
Molecular consequence: missense variant. On other transcripts: non-coding transcript variant (2).
Genome position (GRCh38, 1-based): chr4:36,290,563, T>C. VCF-style: chr4-36290563-T-C. GRCh37 (hg19) VCF-style: chr4-36292185-T-C.
Other names: c.208T>C, p.Phe70Leu (NM_001136536.5, NM_001378435.1); c.703T>C (NM_001170700.1); short protein forms F360L, F70L.
Identifiers: ClinVar variation 1037365 (VCV001037365.9), dbSNP rs758011674, ClinGen allele CA2885608.
Genomic context (GRCh38, chr4:36,290,563, plus strand): 5'-GAAGAGTTAGTTAGCAACGTCATAACTATTGAATGCTCAGATAAGGAAAAGAGAGTTCCA[T>C]TTCCAATAGGCATTGCAATTCCATTTACTGCACGTTACAGAGGAAATTACAGAGATATCA-3'
Protein context (NP_001164171.2, residues 350-370): ECSDKEKRVP[Phe360Leu]PIGIAIPFTA